The following is an entry in ClinVar:

NM_004260.4(RECQL4):c.1231C>G (p.His411Asp)

Gene: RECQL4 (RecQ like helicase 4; minus strand). Cytogenetic location: 8q24.3.
Variant type: single nucleotide variant.
Coding change: c.1231C>G on transcript NM_004260.4 (MANE Select); coding-DNA position 1231, C replaced by G.
Protein change: p.His411Asp; replaces histidine 411 with aspartic acid.
Molecular consequence: missense variant. On other transcripts: nonsense (5), non-coding transcript variant (3), intron variant (1).
Genome position (GRCh38, 1-based): chr8:144,515,791, G>C on the plus strand (C>G on the coding strand, the complement: RECQL4 is on the minus strand). VCF-style: chr8-144515791-G-C. GRCh37 (hg19) VCF-style: chr8-145741175-G-C.
Other names: c.1231C>G, p.His411Asp (NM_001413036.1, NM_001413039.1, NM_001413018.1 and 2 more transcripts); c.160C>G, p.His54Asp (NM_001413037.1, NM_001413038.1, NM_001413040.1 and 8 more transcripts); c.98C>G, p.Ser33Ter (NM_001413041.1, NM_001413027.1, NM_001413030.1 and 2 more transcripts); c.1135C>G, p.His379Asp (NM_001413017.1, NM_001413020.1); c.1102C>G, p.His368Asp (NM_001413025.1); c.880C>G, p.His294Asp (NM_001413029.1); c.-210+197C>G (NM_001413043.1); short protein forms H379D, H411D, S33*, H294D, H368D, H54D.
Identifiers: ClinVar variation 2842933 (VCV002842933.3), dbSNP rs2130712383, ClinGen allele CA372687345.
Genomic context (GRCh38, chr8:144,515,791, plus strand): 5'-GGCCGGACCCACCCTCCAGGGCAGATGTCTCACCTGGCCGGGGACACTGGGCTGCCCAGT[G>C]ATCGAACTGCTCGTTCAGGAAACAAGACTCCTTGGTTGTGACTGTGGCACCACCACCCCC-3'
Protein context (NP_004251.4, residues 401-421): ESCFLNEQFD[His411Asp]WAAQCPRPAS

ClinVar aggregate classification (germline): Uncertain significance (1 of 4 stars; one submission).

Conditions:
Baller-Gerold syndrome (BGS). Also called: CRANIOSYNOSTOSIS WITH RADIAL DEFECTS. Identifiers: Orphanet 1225, MedGen C0265308, MONDO:0009039, OMIM 218600.

Submission:

Labcorp Genetics (formerly Invitae), Labcorp
Classification: Uncertain significance for Baller-Gerold syndrome. Last evaluated: 2023-07-28. Review status: criteria provided, single submitter. Criteria: Invitae Variant Classification Sherloc (09022015). Collection method: clinical testing. Allele origin: germline.
Comment: This variant is not present in population databases (gnomAD no frequency). This sequence change replaces histidine, which is basic and polar, with aspartic acid, which is acidic and polar, at codon 411 of the RECQL4 protein (p.His411Asp). In summary, the available evidence is currently insufficient to determine the role of this variant in disease. Therefore, it has been classified as a Variant of Uncertain Significance. Advanced modeling of protein sequence and biophysical properties (such as structural, functional, and spatial information, amino acid conservation, physicochemical variation, residue mobility, and thermodynamic stability) has been performed at Invitae for this missense variant, however the output from this modeling did not meet the statistical confidence thresholds required to predict the impact of this variant on RECQL4 protein function. This variant has not been reported in the literature in individuals affected with RECQL4-related conditions.